The following is an entry in ClinVar:

NM_001130144.3(LTBP3):c.545A>C (p.Lys182Thr)

Gene: LTBP3 (latent transforming growth factor beta binding protein 3; minus strand). Cytogenetic location: 11q13.1.
Variant type: single nucleotide variant.
Coding change: c.545A>C on transcript NM_001130144.3 (MANE Select); coding-DNA position 545, A replaced by C.
Protein change: p.Lys182Thr; replaces lysine 182 with threonine.
Molecular consequence: missense variant.
Genome position (GRCh38, 1-based): chr11:65,554,167, T>G on the plus strand (A>C on the coding strand, the complement: LTBP3 is on the minus strand). VCF-style: chr11-65554167-T-G. GRCh37 (hg19) VCF-style: chr11-65321638-T-G.
Other names: c.194A>C, p.Lys65Thr (NM_001164266.1); c.545A>C, p.Lys182Thr (NM_021070.4); short protein forms K182T, K65T.
Identifiers: ClinVar variation 1747645 (VCV001747645.6), dbSNP rs1303502014, ClinGen allele CA381276412.

ClinVar aggregate classification (germline): Uncertain significance. Review status: criteria provided, multiple submitters, no conflicts (2 of 4 stars). 2 submissions from 2 submitters: Uncertain significance (2). Last evaluated 2025-03-03.

Conditions:
Brachyolmia-amelogenesis imperfecta syndrome. Also called: Tooth agenesis, selective, 6; Dental anomalies and short stature; PLATYSPONDYLY WITH AMELOGENESIS IMPERFECTA. Identifiers: Orphanet 2899, MedGen C1832594, MONDO:0011018, OMIM 601216. Disease mechanism: loss of function.
Inborn genetic diseases. Identifiers: MedGen C0950123, MeSH D030342.

Allele frequency attached by ClinVar (database versions not stated): gnomAD exomes 0.00002.
gnomAD v4.1: 24 of 1,612,020 alleles (0.0015%); highest among the groups gnomAD compares: Non-Finnish European, 0.002%; no homozygotes.

Submissions (2):

Ambry Genetics
Classification: Uncertain significance for Inborn genetic diseases. Last evaluated: 2025-03-03. Review status: criteria provided, single submitter. Criteria: Ambry Variant Classification Scheme 2023. Collection method: clinical testing. Allele origin: germline.
Comment: The p.K182T variant (also known as c.545A>C), located in coding exon 2 of the LTBP3 gene, results from an A to C substitution at nucleotide position 545. The lysine at codon 182 is replaced by threonine, an amino acid with similar properties. This amino acid position is conserved. In addition, the in silico prediction for this alteration is inconclusive. Since supporting evidence is limited at this time, the clinical significance of this alteration remains unclear.

Labcorp Genetics (formerly Invitae), Labcorp
Classification: Uncertain significance for Brachyolmia-amelogenesis imperfecta syndrome. Last evaluated: 2023-08-11. Review status: criteria provided, single submitter. Criteria: Invitae Variant Classification Sherloc (09022015). Collection method: clinical testing. Allele origin: germline.
Comment: In summary, the available evidence is currently insufficient to determine the role of this variant in disease. Therefore, it has been classified as a Variant of Uncertain Significance. An algorithm developed to predict the effect of missense changes on protein structure and function (PolyPhen-2) suggests that this variant is likely to be disruptive. ClinVar contains an entry for this variant (Variation ID: 1747645). This variant has not been reported in the literature in individuals affected with LTBP3-related conditions. This variant is present in population databases (no rsID available, gnomAD 0.0009%). This sequence change replaces lysine, which is basic and polar, with threonine, which is neutral and polar, at codon 182 of the LTBP3 protein (p.Lys182Thr).